The following is an entry in ClinVar:

ClinVar aggregate classification (germline): Uncertain significance (1 of 4 stars; one submission).

Submission:

GeneDx
Classification: Uncertain significance. Last evaluated: 2022-09-20. Review status: criteria provided, single submitter. Criteria: GeneDx Variant Classification Process June 2021. Collection method: clinical testing. Allele origin: germline. Affected: yes.
Comment: Not observed at significant frequency in large population cohorts (gnomAD); In silico analysis supports that this missense variant does not alter protein structure/function; Has not been previously published as pathogenic or benign to our knowledge

NM_003193.5(TBCE):c.850C>G (p.Leu284Val)

Gene: TBCE (tubulin folding cofactor E; plus strand). Cytogenetic location: 1q42.3.
Variant type: single nucleotide variant.
Coding change: c.850C>G on transcript NM_003193.5 (MANE Select); coding-DNA position 850, C replaced by G.
Protein change: p.Leu284Val; replaces leucine 284 with valine.
Molecular consequence: missense variant.
Genome position (GRCh38, 1-based): chr1:235,436,402, C>G. VCF-style: chr1-235436402-C-G. GRCh37 (hg19) VCF-style: chr1-235599717-C-G.
Other names: c.850C>G, p.Leu284Val (NM_001079515.3); c.1003C>G, p.Leu335Val (NM_001287801.2); c.511C>G, p.Leu171Val (NM_001287802.2); short protein forms L171V, L284V, L335V.
Identifiers: ClinVar variation 2444800 (VCV002444800.1), dbSNP rs941572631, ClinGen allele CA344939613.